The following is an entry in ClinVar:

ClinVar aggregate classification (germline): Benign/Likely benign. Review status: criteria provided, multiple submitters, no conflicts (2 of 4 stars). 8 submissions from 8 submitters: Benign (3); Likely benign (4). 1 of the submissions does not count toward it. Last evaluated 2026-01-28.

Conditions:
Inborn genetic diseases. Identifiers: MedGen C0950123, MeSH D030342.
Neuronal ceroid lipofuscinosis. Also called: Neuronal Ceroid Lipofuscinoses. Identifiers: Orphanet 216, Orphanet 79263, MedGen C0027877, MONDO:0016295. Disease mechanism: loss of function.

Allele frequency attached by ClinVar (database versions not stated): gnomAD exomes 0.00017 and 0.00043; ExAC 0.00058; 1000 Genomes Project 30x 0.00094; 1000 Genomes Project 0.00120; gnomAD 0.00182 and 0.00198; ESP Exome Variant Server 0.00200; TOPMed 0.00204.
gnomAD v4.1: 537 of 1,614,086 alleles (0.033%); highest among the groups gnomAD compares: African/African-American, 0.62%; 2 homozygotes.

Submissions (8):

Labcorp Genetics (formerly Invitae), Labcorp
Classification: Benign for Neuronal ceroid lipofuscinosis. Last evaluated: 2026-01-28. Review status: criteria provided, single submitter. Criteria: Invitae Variant Classification Sherloc (09022015). Collection method: clinical testing. Allele origin: germline.

CeGaT Center for Human Genetics Tuebingen
Classification: Likely benign. Last evaluated: 2025-07-01. Review status: criteria provided, single submitter. Criteria: CeGaT Center For Human Genetics Tuebingen Variant Classification Criteria Version 2. Collection method: clinical testing. Allele origin: germline. Affected: yes. Observed: 2 variant alleles.
Comment: CLN6: BP4, BP7

Blueprint Genetics
Classification: Likely benign. Last evaluated: 2024-09-18. Review status: criteria provided, single submitter. Criteria: ACMG Guidelines, 2015. Collection method: clinical testing. Allele origin: germline.

Women's Health and Genetics/Laboratory Corporation of America, LabCorp
Classification: Likely benign. Last evaluated: 2024-04-24. Review status: criteria provided, single submitter. Criteria: LabCorp Variant Classification Summary - May 2015. Collection method: clinical testing. Allele origin: germline.

Athena Diagnostics
Classification: Benign. Last evaluated: 2018-01-25. Review status: criteria provided, single submitter. Criteria: Athena Diagnostics Criteria. Collection method: clinical testing. Allele origin: germline.

Ambry Genetics
Classification: Likely benign for Inborn genetic diseases. Last evaluated: 2016-08-29. Review status: criteria provided, single submitter. Criteria: Ambry Variant Classification Scheme 2023. Collection method: clinical testing. Allele origin: germline.

GeneDx
Classification: Benign. Last evaluated: 2015-03-03. Review status: criteria provided, single submitter. Criteria: GeneDx Variant Classification Process June 2021. Collection method: clinical testing. Allele origin: germline. Affected: yes.

Mayo Clinic Laboratories, Mayo Clinic
Classification: Benign. Last evaluated: 2017-05-15. Review status: no assertion criteria provided. Collection method: clinical testing. Allele origin: unknown. Not counted in ClinVar's aggregate classification.

NM_017882.3(CLN6):c.840G>A (p.Leu280=)

Gene: CLN6 (CLN6 transmembrane ER protein; minus strand). Cytogenetic location: 15q23.
Variant type: single nucleotide variant.
Coding change: c.840G>A on transcript NM_017882.3 (MANE Select); coding-DNA position 840, G replaced by A.
Protein change: p.Leu280=; no amino-acid change (leucine 280 retained).
Molecular consequence: synonymous variant.
Genome position (GRCh38, 1-based): chr15:68,208,236, C>T on the plus strand (G>A on the coding strand, the complement: CLN6 is on the minus strand). VCF-style: chr15-68208236-C-T. GRCh37 (hg19) VCF-style: chr15-68500574-C-T.
Identifiers: ClinVar variation 415533 (VCV000415533.37), dbSNP rs148949069, ClinGen allele CA7630460.